The following is an entry in ClinVar:

ClinVar aggregate classification (germline): Uncertain significance. Review status: criteria provided, multiple submitters, no conflicts (2 of 4 stars). 2 submissions from 2 submitters: Uncertain significance (2). Last evaluated 2023-12-08.

Conditions:
Isolated focal cortical dysplasia type II (FCORD2). Also called: Focal cortical dysplasia type II; CORTICAL DYSPLASIA OF TAYLOR. Identifiers: Orphanet 268994, MedGen C1846385, MONDO:0011818, OMIM 607341, HP:0032051.
Tuberous sclerosis 2 (TSC2). Identifiers: Orphanet 805, MedGen C1860707, MONDO:0013199, OMIM 613254.

Allele frequency attached by ClinVar (database versions not stated): gnomAD exomes below 0.00001.
gnomAD v4.1: 1 of 1,613,384 alleles (0.000062%); highest among the groups gnomAD compares: Non-Finnish European, 0.000085%; no homozygotes.

Submissions (2):

Labcorp Genetics (formerly Invitae), Labcorp
Classification: Uncertain significance for Tuberous sclerosis 2. Last evaluated: 2023-12-08. Review status: criteria provided, single submitter. Criteria: Invitae Variant Classification Sherloc (09022015). Collection method: clinical testing. Allele origin: germline.
Comment: This sequence change replaces leucine, which is neutral and non-polar, with phenylalanine, which is neutral and non-polar, at codon 596 of the TSC2 protein (p.Leu596Phe). This variant is not present in population databases (gnomAD no frequency). This variant has not been reported in the literature in individuals affected with TSC2-related conditions. ClinVar contains an entry for this variant (Variation ID: 2061296). Advanced modeling of protein sequence and biophysical properties (such as structural, functional, and spatial information, amino acid conservation, physicochemical variation, residue mobility, and thermodynamic stability) performed at Invitae indicates that this missense variant is not expected to disrupt TSC2 protein function with a negative predictive value of 95%. In summary, the available evidence is currently insufficient to determine the role of this variant in disease. Therefore, it has been classified as a Variant of Uncertain Significance.

Baylor Genetics
Classification: Uncertain significance for Isolated focal cortical dysplasia type II. Last evaluated: 2023-06-12. Review status: criteria provided, single submitter. Criteria: ACMG Guidelines, 2015. Collection method: clinical testing. Allele origin: unknown.

NM_000548.5(TSC2):c.1786C>T (p.Leu596Phe)

Gene: TSC2 (TSC complex subunit 2; plus strand). Cytogenetic location: 16p13.3.
Variant type: single nucleotide variant.
Coding change: c.1786C>T on transcript NM_000548.5 (MANE Select); coding-DNA position 1786, C replaced by T.
Protein change: p.Leu596Phe; replaces leucine 596 with phenylalanine.
Molecular consequence: missense variant.
Genome position (GRCh38, 1-based): chr16:2,070,525, C>T. VCF-style: chr16-2070525-C-T. GRCh37 (hg19) VCF-style: chr16-2120526-C-T.
Other names: c.442C>T, p.Leu148Phe (NM_001406694.1, NM_001406689.1, NM_001406690.1 and 6 more transcripts); c.1675C>T, p.Leu559Phe (NM_001406670.1, NM_001318827.2, NM_001406678.1); c.1774C>T, p.Leu592Phe (NM_001406671.1, NM_001406673.1); c.1639C>T, p.Leu547Phe (NM_001406675.1, NM_001318829.2, NM_001406676.1 and 1 more transcripts); c.1186C>T, p.Leu396Phe (NM_001406685.1, NM_001406686.1, NM_001406687.1 and 6 more transcripts); c.1786C>T, p.Leu596Phe (NM_001406665.1, NM_001370405.1, NM_001406663.1 and 6 more transcripts); c.1876C>T, p.Leu626Phe (NM_001406667.1, NM_001406668.1); c.1819C>T, p.Leu607Phe (NM_001318832.2); and 3 more; short protein forms L592F, L596F, L626F, L577F, L148F, L396F, L442F, L547F.
Identifiers: ClinVar variation 2061296 (VCV002061296.5), dbSNP rs2088136491, ClinGen allele CA394272921.
Genomic context (GRCh38, chr16:2,070,525, plus strand): 5'-TACACCCTGCCTGCAAGCCACGCCACGCGTGTGTATGAGATGCTGGTCAGCCACATTCAG[C>T]TCCACTACAAGCACAGCTACACCCTGCCAATCGCGAGCAGCATCCGGCTGCAGGTATGGT-3'
Protein context (NP_000539.2, residues 586-606): VYEMLVSHIQ[Leu596Phe]HYKHSYTLPI